The following is an entry in ClinVar:

NM_000263.4(NAGLU):c.214G>C (p.Ala72Pro)

Genes: NAGLU (N-acetyl-alpha-glucosaminidase; plus strand), LOC130060903 (ATAC-STARR-seq lymphoblastoid silent region 8533; plus strand). Cytogenetic location: 17q21.2.
Variant type: single nucleotide variant.
Coding change: c.214G>C on transcript NM_000263.4 (MANE Select); coding-DNA position 214, G replaced by C.
Protein change: p.Ala72Pro; replaces alanine 72 with proline.
Molecular consequence: missense variant.
Genome position (GRCh38, 1-based): chr17:42,536,486, G>C. VCF-style: chr17-42536486-G-C. GRCh37 (hg19) VCF-style: chr17-40688504-G-C.
Other names: short protein forms A72P.
Identifiers: ClinVar variation 1482155 (VCV001482155.8), dbSNP rs2143076526, ClinGen allele CA399595672.
Genomic context (GRCh38, chr17:42,536,486, plus strand): 5'-GTGGAGCGCGCTCTGGCTGCCAAGCCGGGCTTGGACACCTACAGCCTGGGCGGCGGCGGC[G>C]CGGCGCGCGTGCGGGTGCGCGGCTCCACGGGCGTGGCGGCCGCCGCGGGGCTGCACCGCT-3'
Protein context (NP_000254.2, residues 62-82): LDTYSLGGGG[Ala72Pro]ARVRVRGSTG

ClinVar aggregate classification (germline): Uncertain significance (1 of 4 stars; one submission).

Conditions:
Mucopolysaccharidosis, MPS-III-B (MPS3B). Also called: N-ACETYL-ALPHA-D-GLUCOSAMINIDASE DEFICIENCY; NAGLU DEFICIENCY; SANFILIPPO SYNDROME B; MPS III B; MPS IIIB (Sanfilippo Syndrome Type B); MUCOPOLYSACCHARIDOSIS, TYPE IIIB. Identifiers: Orphanet 79270, MedGen C0086648, MONDO:0009656, OMIM 252920.
Charcot-Marie-Tooth disease axonal type 2V. Also called: CHARCOT-MARIE-TOOTH NEUROPATHY, TYPE 2V; CHARCOT-MARIE-TOOTH DISEASE, AXONAL, AUTOSOMAL DOMINANT, TYPE 2V. Identifiers: Orphanet 447964, MedGen C5569050, MONDO:0014665, OMIM 616491.

Submission:

Labcorp Genetics (formerly Invitae), Labcorp
Classification: Uncertain significance for Charcot-Marie-Tooth disease axonal type 2V; Mucopolysaccharidosis, MPS-III-B. Last evaluated: 2022-07-18. Review status: criteria provided, single submitter. Criteria: Invitae Variant Classification Sherloc (09022015). Collection method: clinical testing. Allele origin: germline.
Comment: In summary, the available evidence is currently insufficient to determine the role of this variant in disease. Therefore, it has been classified as a Variant of Uncertain Significance. Advanced modeling of protein sequence and biophysical properties (such as structural, functional, and spatial information, amino acid conservation, physicochemical variation, residue mobility, and thermodynamic stability) performed at Invitae indicates that this missense variant is not expected to disrupt NAGLU protein function. ClinVar contains an entry for this variant (Variation ID: 1482155). This variant has not been reported in the literature in individuals affected with NAGLU-related conditions. This variant is not present in population databases (gnomAD no frequency). This sequence change replaces alanine, which is neutral and non-polar, with proline, which is neutral and non-polar, at codon 72 of the NAGLU protein (p.Ala72Pro).